The following is an entry in ClinVar:

NM_001042492.3(NF1):c.410C>G (p.Ser137Cys)

Gene: NF1 (neurofibromin 1; plus strand). Cytogenetic location: 17q11.2.
Variant type: single nucleotide variant.
Coding change: c.410C>G on transcript NM_001042492.3 (MANE Select); coding-DNA position 410, C replaced by G.
Protein change: p.Ser137Cys; replaces serine 137 with cysteine.
Molecular consequence: missense variant.
Genome position (GRCh38, 1-based): chr17:31,163,307, C>G. VCF-style: chr17-31163307-C-G. GRCh37 (hg19) VCF-style: chr17-29490325-C-G.
Other names: c.410C>G, p.Ser137Cys (NM_000267.4, NM_001128147.3); short protein forms S137C.
Identifiers: ClinVar variation 824600 (VCV000824600.15), dbSNP rs1597635932, ClinGen allele CA398981891.

ClinVar aggregate classification (germline): Uncertain significance. Review status: criteria provided, multiple submitters, no conflicts (2 of 4 stars). 5 submissions from 5 submitters: Uncertain significance (5). Last evaluated 2025-11-19.

Conditions:
Neurofibromatosis, type 1 (NF1). Also called: Neurofibromatosis, type I; Peripheral type neurofibromatosis; VON RECKLINGHAUSEN DISEASE; NEUROFIBROMATOSIS, TYPE I, SOMATIC. Identifiers: Orphanet 636, MedGen C0027831, MONDO:0018975, OMIM 162200. Disease mechanism: loss of function.
Juvenile myelomonocytic leukemia (JMML). Also called: LEUKEMIA, JUVENILE MYELOMONOCYTIC, SOMATIC. Identifiers: Orphanet 86834, MedGen C0349639, MONDO:0011908, OMIM 607785, HP:0012209.
Hereditary cancer-predisposing syndrome. Also called: Neoplastic Syndromes, Hereditary; Hereditary Cancer Syndrome; Hereditary neoplastic syndrome; Tumor predisposition. Identifiers: Orphanet 140162, MedGen C0027672, MeSH D009386, MONDO:0015356.
Cardiovascular phenotype. Identifiers: MedGen CN230736.

Allele frequency attached by ClinVar (database versions not stated): gnomAD exomes below 0.00001; gnomAD 0.00001.
gnomAD v4.1: 1 of 1,614,134 alleles (0.000062%); highest among the groups gnomAD compares: South Asian, 0.0011%; no homozygotes.

Submissions (5):

Labcorp Genetics (formerly Invitae), Labcorp
Classification: Uncertain significance for Neurofibromatosis, type 1. Last evaluated: 2025-11-19. Review status: criteria provided, single submitter. Criteria: Invitae Variant Classification Sherloc (09022015). Collection method: clinical testing. Allele origin: germline.
Comment: This sequence change replaces serine, which is neutral and polar, with cysteine, which is neutral and slightly polar, at codon 137 of the NF1 protein (p.Ser137Cys). This variant is not present in population databases (gnomAD no frequency). This missense change has been observed in individual(s) with clinical features of neurofibromatosis type 1 (PMID: 24789688). ClinVar contains an entry for this variant (Variation ID: 824600). Invitae Evidence Modeling of protein sequence and biophysical properties (such as structural, functional, and spatial information, amino acid conservation, physicochemical variation, residue mobility, and thermodynamic stability) indicates that this missense variant is expected to disrupt NF1 protein function with a positive predictive value of 80%. In summary, the available evidence is currently insufficient to determine the role of this variant in disease. Therefore, it has been classified as a Variant of Uncertain Significance.

Ambry Genetics
Classification: Uncertain significance for Cardiovascular phenotype; Hereditary cancer-predisposing syndrome. Last evaluated: 2024-08-14. Review status: criteria provided, single submitter. Criteria: Ambry Variant Classification Scheme 2023. Collection method: clinical testing. Allele origin: germline.
Comment: The p.S137C variant (also known as c.410C>G), located in coding exon 4 of the NF1 gene, results from a C to G substitution at nucleotide position 410. The serine at codon 137 is replaced by cysteine, an amino acid with dissimilar properties. This amino acid position is highly conserved in available vertebrate species. In addition, the in silico prediction for this alteration is inconclusive. This alteration was identified in an individual in a cohort of individuals with a clinical diagnosis or clinical suspicion of neurofibromatosis type 1 (Xu W et al. Int. J. Mol. Med., 2014 Jul;34:53-60). Since supporting evidence is limited at this time, the clinical significance of this alteration remains unclear.

Baylor Genetics
Classification: Uncertain significance for Juvenile myelomonocytic leukemia. Last evaluated: 2024-03-14. Review status: criteria provided, single submitter. Criteria: ACMG Guidelines, 2015. Collection method: clinical testing. Allele origin: unknown.

GeneDx
Classification: Uncertain significance. Last evaluated: 2024-02-13. Review status: criteria provided, single submitter. Criteria: GeneDx Variant Classification Process June 2021. Collection method: clinical testing. Allele origin: germline. Affected: yes.
Comment: Not observed at significant frequency in large population cohorts (gnomAD); In silico analysis supports that this missense variant does not alter protein structure/function; Reported in a patient with clinical suspicion of NF1 in published literature; clinical information not provided (PMID: 24789688); This variant is associated with the following publications: (PMID: 24789688)

Genome-Nilou Lab
Classification: Uncertain significance for Neurofibromatosis, type 1. Last evaluated: 2022-03-15. Review status: criteria provided, single submitter. Criteria: ACMG Guidelines, 2015. Collection method: clinical testing. Allele origin: germline. Affected: no.

Literature cited by the submitters: PubMed 24789688 (cited by Labcorp Genetics (formerly Invitae), Labcorp and Ambry Genetics).